The following is an entry in ClinVar:

NM_170707.4(LMNA):c.1489-1G>C

Gene: LMNA (lamin A/C; plus strand). Cytogenetic location: 1q22.
Variant type: single nucleotide variant.
Coding change: c.1489-1G>C on transcript NM_170707.4 (MANE Select); the canonical splice acceptor site of the intron before coding-DNA position 1489, G replaced by C.
Molecular consequence: splice acceptor variant.
Genome position (GRCh38, 1-based): chr1:156,137,112, G>C. VCF-style: chr1-156137112-G-C. GRCh37 (hg19) VCF-style: chr1-156106903-G-C.
Other names: c.931-1G>C (NM_001406990.1, NM_001406996.1, NM_001406997.1 and 4 more transcripts); c.1489-1G>C (NM_005572.4, NM_001406983.1, NM_001282625.2 and 6 more transcripts); c.1246-1G>C (NM_001406987.1, NM_001282624.2, NM_001406986.1); c.1153-1G>C (NM_001406989.1, NM_001257374.3, NM_001406998.1); c.1192-1G>C (NM_001406988.1); c.865-1G>C (NM_001406999.1, NM_001407000.1, NM_001406994.1 and 1 more transcripts).
Identifiers: ClinVar variation 4732685 (VCV004732685.1).

ClinVar aggregate classification (germline): Pathogenic (1 of 4 stars; one submission).

Conditions:
Charcot-Marie-Tooth disease type 2. Also called: Charcot-Marie-Tooth type 2. Identifiers: Orphanet 64746, MedGen C0270914, MONDO:0018993.

Submission:

Labcorp Genetics (formerly Invitae), Labcorp
Classification: Pathogenic for Charcot-Marie-Tooth disease type 2. Last evaluated: 2025-12-08. Review status: criteria provided, single submitter. Criteria: Invitae Variant Classification Sherloc (09022015). Collection method: clinical testing. Allele origin: germline.
Comment: This sequence change affects an acceptor splice site in intron 8 of the LMNA gene. It is expected to disrupt RNA splicing. Variants that disrupt the donor or acceptor splice site typically lead to a loss of protein function (PMID: 16199547), and loss-of-function variants in LMNA are known to be pathogenic (PMID: 18585512, 18926329). This variant is not present in population databases (gnomAD no frequency). Disruption of this splice site has been observed in individual(s) with Emery-Dreifuss muscular dystrophy and dilated cardiomyopathy (PMID: 22224630). It has also been observed to segregate with disease in related individuals. Algorithms developed to predict the effect of sequence changes on RNA splicing suggest that this variant may disrupt the consensus splice site. For these reasons, this variant has been classified as Pathogenic.

Literature cited by the submitters: PubMed 16199547; PubMed 18585512; PubMed 18926329; PubMed 22224630.